The following is an entry in ClinVar:

NC_000002.11:g.(?_238233417)_(238462235_?)dup

Genes: COL6A3 (collagen type VI alpha 3 chain; minus strand), MLPH (melanophilin; plus strand). Cytogenetic location: 2q37.3.
Variant type: Duplication.
Identifiers: ClinVar variation 2426799 (VCV002426799.4).

ClinVar aggregate classification (germline): Uncertain significance (1 of 4 stars; one submission).

Submission:

Labcorp Genetics (formerly Invitae), Labcorp
Classification: Uncertain significance. Last evaluated: 2022-01-07. Review status: criteria provided, single submitter. Criteria: Invitae Variant Classification Sherloc (09022015). Collection method: clinical testing. Allele origin: germline.
Comment: In summary, the available evidence is currently insufficient to determine the role of this variant in disease. Therefore, it has been classified as a Variant of Uncertain Significance. Experimental studies and prediction algorithms are not available or were not evaluated, and the functional significance of this variant is currently unknown. This variant has not been reported in the literature in individuals affected with MLPH-related conditions. A copy number gain of the genomic region encompassing the full coding sequence of the MLPH gene has been identified. The boundaries of this event are unknown as they extend beyond the assayed region for this gene and therefore may encompass additional genes. As the precise location of this event is unknown, it may be in tandem or it may be located elsewhere in the genome.